The following is an entry in ClinVar:

NM_000465.4(BARD1):c.1284A>G (p.Gly428=)

Gene: BARD1 (BRCA1 associated RING domain 1; minus strand). Cytogenetic location: 2q35.
Variant type: single nucleotide variant.
Coding change: c.1284A>G on transcript NM_000465.4 (MANE Select); coding-DNA position 1284, A replaced by G.
Protein change: p.Gly428=; no amino-acid change (glycine 428 retained).
Molecular consequence: synonymous variant. On other transcripts: non-coding transcript variant (2), intron variant (3).
Genome position (GRCh38, 1-based): chr2:214,780,590, T>C on the plus strand (A>G on the coding strand, the complement: BARD1 is on the minus strand). VCF-style: chr2-214780590-T-C. GRCh37 (hg19) VCF-style: chr2-215645314-T-C.
Other names: c.1227A>G, p.Gly409= (NM_001282543.2); c.159-28035A>G (NM_001282548.2); c.215+16471A>G (NM_001282545.2); c.364+11707A>G (NM_001282549.2).
Identifiers: ClinVar variation 1768533 (VCV001768533.3), dbSNP rs1694938571, ClinGen allele CA431391053.

ClinVar aggregate classification (germline): Benign/Likely benign. Review status: criteria provided, multiple submitters, no conflicts (2 of 4 stars). 2 submissions from 2 submitters: Benign (1); Likely benign (1). Last evaluated 2024-07-24.

Conditions:
Hereditary cancer-predisposing syndrome. Also called: Hereditary Cancer Syndrome; Hereditary neoplastic syndrome; Neoplastic Syndromes, Hereditary; Tumor predisposition. Identifiers: Orphanet 140162, MedGen C0027672, MeSH D009386, MONDO:0015356.
Familial cancer of breast. Also called: BREAST CANCER, FAMILIAL; hereditary breast carcinoma; Hereditary breast cancer. Identifiers: Orphanet 227535, MedGen C0346153, MONDO:0016419, OMIM 114480. Disease mechanism: loss of function.

Submissions (2):

Myriad Genetics, Inc.
Classification: Benign for Familial cancer of breast. Last evaluated: 2024-07-24. Review status: criteria provided, single submitter. Criteria: Myriad Autosomal Dominant, Autosomal Recessive and X-Linked Classification Criteria (2023). Collection method: clinical testing. Allele origin: unknown.
Comment: This variant is considered benign. This variant is a silent/synonymous amino acid change and it is not expected to impact splicing.

Ambry Genetics
Classification: Likely benign for Hereditary cancer-predisposing syndrome. Last evaluated: 2020-10-20. Review status: criteria provided, single submitter. Criteria: Ambry Variant Classification Scheme 2023. Collection method: clinical testing. Allele origin: germline.